The following is an entry in ClinVar:

ClinVar aggregate classification (germline): Uncertain significance (1 of 4 stars; one submission).

Conditions:
Familial cancer of breast. Also called: Hereditary breast cancer; BREAST CANCER, FAMILIAL; hereditary breast carcinoma. Identifiers: Orphanet 227535, MedGen C0346153, MONDO:0016419, OMIM 114480. Disease mechanism: loss of function.

Submission:

Laboratorio de Genetica e Diagnostico Molecular, Hospital Israelita Albert Einstein
Classification: Uncertain significance for Familial cancer of breast. Last evaluated: 2022-10-03. Review status: criteria provided, single submitter. Criteria: ACMG Guidelines, 2015. Collection method: clinical testing. Allele origin: germline. Affected: yes. Observed: 1 variant allele.
Comment: ACMG classification criteria: PM2 moderated

NM_003579.4(RAD54L):c.214G>C (p.Ala72Pro)

Gene: RAD54L (RAD54 like; plus strand). Cytogenetic location: 1p34.1.
Variant type: single nucleotide variant.
Coding change: c.214G>C on transcript NM_003579.4 (MANE Select); coding-DNA position 214, G replaced by C.
Protein change: p.Ala72Pro; replaces alanine 72 with proline.
Molecular consequence: missense variant. On other transcripts: 5 prime UTR variant (1).
Genome position (GRCh38, 1-based): chr1:46,258,689, G>C. VCF-style: chr1-46258689-G-C. GRCh37 (hg19) VCF-style: chr1-46724361-G-C.
Other names: c.214G>C, p.Ala72Pro (NM_001142548.2); c.-327G>C (NM_001370766.1); short protein forms A72P.
Identifiers: ClinVar variation 2431693 (VCV002431693.1), dbSNP rs2525660123, ClinGen allele CA340180373.
Genomic context (GRCh38, chr1:46,258,689, plus strand): 5'-TATTGTCCCATAACATCTCCAGTCAGTCCTGAATCCTTGTTTCTCCTTTCTTTTTAGGAA[G>C]CATTTATTCGAAGCATTTTGTCAAAGCCTTTCAAAGTCCCCATTCCAAATTATCAAGGTA-3'
Protein context (NP_003570.2, residues 62-82): PPCLDSSQHE[Ala72Pro]FIRSILSKPF